The following is an entry in ClinVar:

ClinVar aggregate classification (germline): Uncertain significance (1 of 4 stars; one submission).

Conditions:
Monocytopenia with susceptibility to infections. Also called: MONOCYTOPENIA AND MYCOBACTERIAL INFECTION SYNDROME; MONOCYTOPENIA WITH SUSCEPTIBILITY TO MYCOBACTERIAL, FUNGAL, AND PAPILLOMAVIRUS INFECTIONS AND MYELODYSPLASIA; COMBINED IMMUNODEFICIENCY WITH SUSCEPTIBILITY TO MYCOBACTERIAL, VIRAL, AND FUNGAL INFECTIONS; Dendritic cell, monocyte, B lymphocyte, and natural killer lymphocyte deficiency; IMMUNODEFICIENCY 21; GATA2 DEFICIENCY. Identifiers: Orphanet 228423, MedGen C3280030, MONDO:0013607, OMIM 614172.
Deafness-lymphedema-leukemia syndrome. Also called: Lymphedema, primary, with myelodysplasia; Emberger syndrome. Identifiers: Orphanet 3226, MedGen C3279664, MONDO:0013540, OMIM 614038.

Allele frequency attached by ClinVar (database versions not stated): gnomAD exomes 0.00001.
gnomAD v4.1: 3 of 1,612,158 alleles (0.00019%); highest among the groups gnomAD compares: South Asian, 0.0033%; no homozygotes.

Submission:

Labcorp Genetics (formerly Invitae), Labcorp
Classification: Uncertain significance for Monocytopenia with susceptibility to infections; Deafness-lymphedema-leukemia syndrome. Last evaluated: 2022-07-03. Review status: criteria provided, single submitter. Criteria: Invitae Variant Classification Sherloc (09022015). Collection method: clinical testing. Allele origin: germline.
Comment: In summary, the available evidence is currently insufficient to determine the role of this variant in disease. Therefore, it has been classified as a Variant of Uncertain Significance. Algorithms developed to predict the effect of missense changes on protein structure and function are either unavailable or do not agree on the potential impact of this missense change (SIFT: "Tolerated"; PolyPhen-2: "Probably Damaging"; Align-GVGD: "Class C0"). This variant has not been reported in the literature in individuals affected with GATA2-related conditions. This variant is present in population databases (no rsID available, gnomAD 0.007%). This sequence change replaces valine, which is neutral and non-polar, with alanine, which is neutral and non-polar, at codon 382 of the GATA2 protein (p.Val382Ala).

NM_032638.5(GATA2):c.1145T>C (p.Val382Ala)

Gene: GATA2 (GATA binding protein 2; minus strand). Cytogenetic location: 3q21.3.
Variant type: single nucleotide variant.
Coding change: c.1145T>C on transcript NM_032638.5 (MANE Select); coding-DNA position 1145, T replaced by C.
Protein change: p.Val382Ala; replaces valine 382 with alanine.
Molecular consequence: missense variant.
Genome position (GRCh38, 1-based): chr3:128,481,317, A>G on the plus strand (T>C on the coding strand, the complement: GATA2 is on the minus strand). VCF-style: chr3-128481317-A-G. GRCh37 (hg19) VCF-style: chr3-128200160-A-G.
Other names: c.1103T>C, p.Val368Ala (NM_001145662.1); c.1145T>C, p.Val382Ala (NM_001145661.2); short protein forms V382A, V368A.
Identifiers: ClinVar variation 2013860 (VCV002013860.4), dbSNP rs1240484231, ClinGen allele CA354413409.
Genomic context (GRCh38, chr3:128,481,317, plus strand): 5'-TTGGACATCTTCCGGTTCCGAGTCTGGATCCCTTCCTTCTTCATGGTCAGTGGCCTGTTA[A>G]CCTAGAGGCAACCACCAGTTTTCAGAGGGCCAGTTCCTTCCTCCAGCAACATTCCTCCCA-3'
Protein context (NP_116027.2, residues 372-392): ACGLYYKLHN[Val382Ala]NRPLTMKKEG